The following is an entry in ClinVar:

ClinVar aggregate classification (germline): Benign. Review status: criteria provided, single submitter (1 of 4 stars). 3 submissions from 1 submitter: Benign (3). Last evaluated 2018-01-12.

Conditions:
Retinitis pigmentosa (RP). Identifiers: Orphanet 791, MedGen C0035334, MeSH D012174, MONDO:0019200, OMIM 268000. Inheritance: Autosomal dominant, autosomal recessive and X linked inheritance.
Cone-rod dystrophy 2 (CORD2). Also called: CONE-ROD RETINAL DYSTROPHY; Cone-rod retinal dystrophy 2. Identifiers: Orphanet 1872, MedGen C3489532, MONDO:0007362, OMIM 120970.
Leber congenital amaurosis 7 (LCA7). Identifiers: Orphanet 65, MedGen C3151192, MONDO:0013449, OMIM 613829.

Allele frequency attached by ClinVar (database versions not stated): gnomAD exomes 0.00694; gnomAD 0.05071 and 0.05457; 1000 Genomes Project 0.05371; TOPMed 0.05707; 1000 Genomes Project 30x 0.05715.
gnomAD v4.1: 7,655 of 152,346 alleles (5%); highest among the groups gnomAD compares: African/African-American, 17%; 634 homozygotes.

Submissions (3):

Illumina Laboratory Services, Illumina
Classification: Benign for Cone-rod dystrophy 2. Last evaluated: 2018-01-12. Review status: criteria provided, single submitter. Criteria: ICSL Variant Classification Criteria 13 December 2019. Collection method: clinical testing. Allele origin: germline.
Comment: This variant was observed in the ICSL laboratory as part of a predisposition screen in an ostensibly healthy population. It had not been previously curated by ICSL or reported in the Human Gene Mutation Database (HGMD: prior to June 1st, 2018), and was therefore a candidate for classification through an automated scoring system. Utilizing variant allele frequency, disease prevalence and penetrance estimates, and inheritance mode, an automated score was calculated to assess if this variant is too frequent to cause the disease. Based on the score and internal cut-off values, a variant classified as benign is not then subjected to further curation. The score for this variant resulted in a classification of benign for this disease.

Illumina Laboratory Services, Illumina
Classification: Benign for Leber congenital amaurosis 7. Last evaluated: 2018-01-12. Review status: criteria provided, single submitter. Criteria: ICSL Variant Classification Criteria 13 December 2019. Collection method: clinical testing. Allele origin: germline.
Comment: the same text as in the submission from Illumina Laboratory Services, Illumina above.

Illumina Laboratory Services, Illumina
Classification: Benign for Retinitis pigmentosa. Last evaluated: 2018-01-12. Review status: criteria provided, single submitter. Criteria: ICSL Variant Classification Criteria 13 December 2019. Collection method: clinical testing. Allele origin: germline.
Comment: the same text as in the submission from Illumina Laboratory Services, Illumina above.

NM_000554.6(CRX):c.*3238G>A

Gene: CRX (cone-rod homeobox; plus strand). Cytogenetic location: 19q13.33.
Variant type: single nucleotide variant.
Coding change: c.*3238G>A on transcript NM_000554.6 (MANE Select); 3238 bases downstream of the stop codon, G replaced by A.
Molecular consequence: 3 prime UTR variant.
Genome position (GRCh38, 1-based): chr19:47,843,205, G>A. VCF-style: chr19-47843205-G-A. GRCh37 (hg19) VCF-style: chr19-48346462-G-A.
Identifiers: ClinVar variation 329780 (VCV000329780.5), dbSNP rs4081725, ClinGen allele CA10652177.